The following is an entry in ClinVar:

NM_018719.5(CDCA7L):c.*1287_*1290dup

Genes: CDCA7L (cell division cycle associated 7 like; minus strand), DNAH11 (dynein axonemal heavy chain 11; plus strand). Cytogenetic location: 7p15.3.
Variant type: Duplication.
Coding change: c.*1287_*1290dup on transcript NM_018719.5 (MANE Select); 1287 bases downstream of the stop codon through 1290 bases downstream of the stop codon, 4 bases duplicated (GGTT; older notation c.*1287_*1290dupGGTT).
Molecular consequence: 3 prime UTR variant. On other transcripts: frameshift variant (1).
Genome position (GRCh38, 1-based): chr7:21,901,032-21,901,035, AACC duplicated on the plus strand (GGTT on the coding strand, the reverse complement: CDCA7L is on the minus strand); duplicating any 4 consecutive bases within chr7:21,901,032-21,901,036 gives the same sequence; the c. name uses the placement nearest the transcript's 3' end. VCF-style (leftmost placement, unchanged base first): chr7-21901031-G-GAACC. GRCh37 (hg19) VCF-style: chr7-21940649-G-GAACC.
Other names: NM_001127371.3:c.*1287_*1290dup; c.13330_13333dup, p.Ile4445fs (NM_001277115.2); c.*1287_*1290dup (NM_001127370.3, NM_001127371.3); short protein forms I4445fs.
Identifiers: ClinVar variation 3776953 (VCV003776953.1).

ClinVar aggregate classification (germline): Uncertain significance (1 of 4 stars; one submission).

Conditions:
Primary ciliary dyskinesia 7. Also called: CILIARY DYSKINESIA, PRIMARY, 7, WITH OR WITHOUT SITUS INVERSUS. Identifiers: Orphanet 244, MedGen C2678473, MONDO:0012748, OMIM 611884.

Submission:

Broad Center for Mendelian Genomics, Broad Institute of MIT and Harvard
Classification: Uncertain significance for Primary ciliary dyskinesia 7. Last evaluated: 2025-02-20. Review status: criteria provided, single submitter. Criteria: ACMG Guidelines, 2015. Collection method: curation. Allele origin: germline. Inheritance: Autosomal recessive inheritance.
Comment: The p.Ile4445AsnfsTer4 variant in DNAH11 has been reported, in the compound heterozygous state, in 1 individual with primary ciliary dyskinesia (Variation ID: 2734976; PMID: 22184204), and has been identified in 0.0002% (2/1177604) of European (non-Finnish) chromosomes by the Genome Aggregation Database (gnomAD; dbSNP ID: rs1784792344). Although this variant has been seen in the general population in a heterozygous state, its frequency is low enough to be consistent with a recessive carrier frequency. This variant is predicted to cause a frameshift, which alters the protein‚Äôs amino acid sequence beginning at position 4445 and leads to a premature termination codon 4 amino acids downstream. This termination codon occurs within the last exon and is more likely to escape nonsense mediated decay (NMD) and result in a truncated protein. Loss of function of the DNAH11 gene is an established disease mechanism in autosomal recessive primary ciliary dyskinesia. In summary, while there is some suspicion for a pathogenic role, the clinical significance of this variant is uncertain. ACMG/AMP Criteria applied: PM3, PVS1_moderate, PM2_supporting (Richards 2015).